The following is an entry in ClinVar:

NM_000384.3(APOB):c.8387A>G (p.Lys2796Arg)

Gene: APOB (apolipoprotein B; minus strand). Cytogenetic location: 2p24.1.
Variant type: single nucleotide variant.
Coding change: c.8387A>G on transcript NM_000384.3 (MANE Select); coding-DNA position 8387, A replaced by G.
Protein change: p.Lys2796Arg; replaces lysine 2796 with arginine.
Molecular consequence: missense variant.
Genome position (GRCh38, 1-based): chr2:21,008,481, T>C on the plus strand (A>G on the coding strand, the complement: APOB is on the minus strand). VCF-style: chr2-21008481-T-C. GRCh37 (hg19) VCF-style: chr2-21231353-T-C.
Other names: short protein forms K2796R.
Identifiers: ClinVar variation 4125534 (VCV004125534.1).
Genomic context (GRCh38, chr2:21,008,481, plus strand): 5'-TTTGAGAGTTGTGCATTTGCTTGAAAATCAAAATTGAGAACTTCTAATTTGGACTCTCCT[T>C]TGGCAGTGATGGAAGCTGCGATACCTGCTTCGTTTGCTGAGGTGGTTCCATTCCCTATGT-3'
Protein context (NP_000375.3, residues 2786-2806): EAGIAASITA[Lys2796Arg]GESKLEVLNF

ClinVar aggregate classification (germline): Uncertain significance (1 of 4 stars; one submission).

Conditions:
Cardiovascular phenotype. Identifiers: MedGen CN230736.

Submission:

Ambry Genetics
Classification: Uncertain significance for Cardiovascular phenotype. Last evaluated: 2025-09-07. Review status: criteria provided, single submitter. Criteria: Ambry Variant Classification Scheme 2023. Collection method: clinical testing. Allele origin: germline.
Comment: The p.K2796R variant (also known as c.8387A>G), located in coding exon 26 of the APOB gene, results from an A to G substitution at nucleotide position 8387. The lysine at codon 2796 is replaced by arginine, an amino acid with highly similar properties. This amino acid position is conserved. In addition, this alteration is predicted to be tolerated by in silico analysis. Based on the available evidence, the clinical significance of this variant remains unclear.